The following is an entry in ClinVar:

NM_001379291.1(BRD4):c.2295A>C (p.Pro765=)

Gene: BRD4 (bromodomain containing 4; minus strand). Cytogenetic location: 19p13.12.
Variant type: single nucleotide variant.
Coding change: c.2295A>C on transcript NM_001379291.1 (MANE Select); coding-DNA position 2295, A replaced by C.
Protein change: p.Pro765=; no amino-acid change (proline 765 retained).
Molecular consequence: synonymous variant.
Genome position (GRCh38, 1-based): chr19:15,244,517, T>G on the plus strand (A>C on the coding strand, the complement: BRD4 is on the minus strand). VCF-style: chr19-15244517-T-G. GRCh37 (hg19) VCF-style: chr19-15355328-T-G.
Other names: c.2295A>C, p.Pro765= (NM_058243.3).
Identifiers: ClinVar variation 2672748 (VCV002672748.23), dbSNP rs1047548998, ClinGen allele CA305790713.

ClinVar aggregate classification (germline): Likely benign (1 of 4 stars; one submission).

Submission:

CeGaT Center for Human Genetics Tuebingen
Classification: Likely benign. Last evaluated: 2023-11-01. Review status: criteria provided, single submitter. Criteria: CeGaT Center For Human Genetics Tuebingen Variant Classification Criteria Version 2. Collection method: clinical testing. Allele origin: germline. Affected: yes. Observed: 1 variant allele.
Comment: BRD4: BP4, BP7